The following is an entry in ClinVar:

NM_003072.5(SMARCA4):c.4017G>A (p.Glu1339=)

Gene: SMARCA4 (SWI/SNF related BAF chromatin remodeling complex subunit ATPase 4; plus strand). Cytogenetic location: 19p13.2.
Variant type: single nucleotide variant.
Coding change: c.4017G>A on transcript NM_003072.5 (MANE Select); coding-DNA position 4017, G replaced by A.
Protein change: p.Glu1339=; no amino-acid change (glutamic acid 1339 retained).
Molecular consequence: synonymous variant. On other transcripts: non-coding transcript variant (1).
Genome position (GRCh38, 1-based): chr19:11,034,979, G>A. VCF-style: chr19-11034979-G-A. GRCh37 (hg19) VCF-style: chr19-11145655-G-A.
Other names: c.4017G>A, p.Glu1339= (NM_001128844.3, NM_001128849.3, NM_001387283.1); c.3918G>A, p.Glu1306= (NM_001128845.2, NM_001128846.2, NM_001128847.4 and 2 more transcripts).
Identifiers: ClinVar variation 1624401 (VCV001624401.9), dbSNP rs2075178788, ClinGen allele CA505493337.
Genomic context (GRCh38, chr19:11,034,979, plus strand): 5'-GGACCTGGACCGCAGGCGCGAGGAGGCCCGCAACCCCAAGCGGAAGCCGCGCCTCATGGA[G>A]GAGGACGAGCTCCCCTCGTGGATCATCAAGGACGACGCGGAGGTGGAGCGGCTGACCTGT-3'
Protein context (NP_003063.2, residues 1329-1349): RNPKRKPRLM[Glu1339=]EDELPSWIIK

ClinVar aggregate classification (germline): Benign/Likely benign. Review status: criteria provided, multiple submitters, no conflicts (2 of 4 stars). 2 submissions from 2 submitters: Benign (1); Likely benign (1). Last evaluated 2026-07-17.

Conditions:
Rhabdoid tumor predisposition syndrome 2 (RTPS2). Identifiers: Orphanet 231108, Orphanet 69077, MedGen C2750074, MONDO:0013224, OMIM 613325.

Allele frequency attached by ClinVar (database versions not stated): TOPMed below 0.00001.

Submissions (2):

Myriad Genetics, Inc.
Classification: Benign for Rhabdoid tumor predisposition syndrome 2. Last evaluated: 2026-07-17. Review status: criteria provided, single submitter. Criteria: Myriad Autosomal Dominant, Autosomal Recessive and X-Linked Classification Criteria (2023). Collection method: clinical testing. Allele origin: unknown.
Comment: This variant is considered benign. This variant is a silent/synonymous amino acid change and it is not expected to impact splicing.

Labcorp Genetics (formerly Invitae), Labcorp
Classification: Likely benign for Rhabdoid tumor predisposition syndrome 2. Last evaluated: 2020-12-16. Review status: criteria provided, single submitter. Criteria: Invitae Variant Classification Sherloc (09022015). Collection method: clinical testing. Allele origin: germline.